The following is an entry in ClinVar:

ClinVar aggregate classification (germline): Uncertain significance (1 of 4 stars; one submission).

Conditions:
Alstrom syndrome (ALMS). Identifiers: Orphanet 64, MedGen C0268425, MONDO:0008763, OMIM 203800.

Submission:

Labcorp Genetics (formerly Invitae), Labcorp
Classification: Uncertain significance for Alstrom syndrome. Last evaluated: 2025-02-24. Review status: criteria provided, single submitter. Criteria: Invitae Variant Classification Sherloc (09022015). Collection method: clinical testing. Allele origin: germline.
Comment: This sequence change replaces threonine with proline at codon 993 of the ALMS1 protein (p.Thr993Pro). The threonine residue is weakly conserved and there is a small physicochemical difference between threonine and proline. This variant is not present in population databases (gnomAD no frequency). This variant has not been reported in the literature in individuals affected with ALMS1-related conditions. ClinVar contains an entry for this variant (Variation ID: 1354365). Experimental studies and prediction algorithms are not available or were not evaluated, and the functional significance of this variant is currently unknown. In summary, the available evidence is currently insufficient to determine the role of this variant in disease. Therefore, it has been classified as a Variant of Uncertain Significance.

NM_001378454.1(ALMS1):c.2974A>C (p.Thr992Pro)

Gene: ALMS1 (ALMS1 centrosome and basal body associated protein; plus strand). Cytogenetic location: 2p13.1.
Variant type: single nucleotide variant.
Coding change: c.2974A>C on transcript NM_001378454.1 (MANE Select); coding-DNA position 2974, A replaced by C.
Protein change: p.Thr992Pro; replaces threonine 992 with proline.
Molecular consequence: missense variant.
Genome position (GRCh38, 1-based): chr2:73,449,501, A>C. VCF-style: chr2-73449501-A-C. GRCh37 (hg19) VCF-style: chr2-73676628-A-C.
Other names: c.2977A>C, p.Thr993Pro (NM_015120.4); short protein forms T992P, T993P.
Identifiers: ClinVar variation 1354365 (VCV001354365.6), dbSNP rs2103777146, ClinGen allele CA347273295.